The following is an entry in ClinVar:

ClinVar aggregate classification (germline): Uncertain significance (1 of 4 stars; one submission).

Conditions:
RYR1-related disorder. Also called: RYR1-related condition; RYR1-related disorders. Identifiers: MedGen CN239331.

Submission:

Labcorp Genetics (formerly Invitae), Labcorp
Classification: Uncertain significance for RYR1-related disorder. Last evaluated: 2024-01-17. Review status: criteria provided, single submitter. Criteria: Invitae Variant Classification Sherloc (09022015). Collection method: clinical testing. Allele origin: germline.
Comment: This sequence change replaces methionine, which is neutral and non-polar, with leucine, which is neutral and non-polar, at codon 2170 of the RYR1 protein (p.Met2170Leu). This variant is not present in population databases (gnomAD no frequency). This variant has not been reported in the literature in individuals affected with RYR1-related conditions. ClinVar contains an entry for this variant (Variation ID: 2013843). Advanced modeling of protein sequence and biophysical properties (such as structural, functional, and spatial information, amino acid conservation, physicochemical variation, residue mobility, and thermodynamic stability) has been performed at Invitae for this missense variant, however the output from this modeling did not meet the statistical confidence thresholds required to predict the impact of this variant on RYR1 protein function. In summary, the available evidence is currently insufficient to determine the role of this variant in disease. Therefore, it has been classified as a Variant of Uncertain Significance.

NM_000540.3(RYR1):c.6508A>C (p.Met2170Leu)

Gene: RYR1 (ryanodine receptor 1; plus strand). Cytogenetic location: 19q13.2.
Variant type: single nucleotide variant.
Coding change: c.6508A>C on transcript NM_000540.3 (MANE Select); coding-DNA position 6508, A replaced by C.
Protein change: p.Met2170Leu; replaces methionine 2170 with leucine.
Molecular consequence: missense variant.
Genome position (GRCh38, 1-based): chr19:38,494,585, A>C. VCF-style: chr19-38494585-A-C. GRCh37 (hg19) VCF-style: chr19-38985225-A-C.
Other names: c.6508A>C, p.Met2170Leu (NM_001042723.2); short protein forms M2170L.
Identifiers: ClinVar variation 2013843 (VCV002013843.4), dbSNP rs2514276466, ClinGen allele CA405664357.